The following is an entry in ClinVar:

ClinVar aggregate classification (germline): Uncertain significance (1 of 4 stars; one submission).

gnomAD v4.1: 8 of 1,614,128 alleles (0.0005%); highest among the groups gnomAD compares: Non-Finnish European, 0.00068%; no homozygotes.

Submission:

GeneDx
Classification: Uncertain significance. Last evaluated: 2019-05-30. Review status: criteria provided, single submitter. Criteria: GeneDx Variant Classification Process June 2021. Collection method: clinical testing. Allele origin: germline. Affected: yes.
Comment: Has not been previously published as pathogenic or benign to our knowledge; Not observed at a significant frequency in large population cohorts (Lek et al., 2016); In silico analysis, which includes protein predictors and evolutionary conservation, supports that this variant does not alter protein structure/function

NM_000237.3(LPL):c.1136C>G (p.Thr379Ser)

Gene: LPL (lipoprotein lipase; plus strand). Cytogenetic location: 8p21.3.
Variant type: single nucleotide variant.
Coding change: c.1136C>G on transcript NM_000237.3 (MANE Select); coding-DNA position 1136, C replaced by G.
Protein change: p.Thr379Ser; replaces threonine 379 with serine.
Molecular consequence: missense variant.
Genome position (GRCh38, 1-based): chr8:19,959,377, C>G. VCF-style: chr8-19959377-C-G. GRCh37 (hg19) VCF-style: chr8-19816888-C-G.
Other names: short protein forms T379S.
Identifiers: ClinVar variation 1302090 (VCV001302090.2), dbSNP rs76708715, ClinGen allele CA4655620.